The following is an entry in ClinVar:

NM_203486.3(DLL3):c.1157dup (p.Arg387fs)

Gene: DLL3 (delta like canonical Notch ligand 3; plus strand). Cytogenetic location: 19q13.2.
Variant type: Duplication.
Coding change: c.1157dup on transcript NM_203486.3 (MANE Select); coding-DNA position 1157, one base duplicated (C; older notation c.1157dupC).
Protein change: p.Arg387fs; shifts the reading frame from arginine 387.
Molecular consequence: frameshift variant.
Genome position (GRCh38, 1-based): chr19:39,507,102, C duplicated; the last of 2 consecutive C bases (chr19:39,507,101-39,507,102); duplicating either gives the same sequence. VCF-style (leftmost placement, unchanged base first): chr19-39507100-T-TC. GRCh37 (hg19) VCF-style: chr19-39997740-T-TC.
Other names: c.1157dup, p.Arg387fs (NM_016941.4); short protein forms R387fs.
Identifiers: ClinVar variation 2769821 (VCV002769821.3), dbSNP rs1208569498, ClinGen allele CA2697556543.

ClinVar aggregate classification (germline): Pathogenic (1 of 4 stars; one submission).

Submission:

Labcorp Genetics (formerly Invitae), Labcorp
Classification: Pathogenic. Last evaluated: 2023-10-18. Review status: criteria provided, single submitter. Criteria: Invitae Variant Classification Sherloc (09022015). Collection method: clinical testing. Allele origin: germline.
Comment: This sequence change creates a premature translational stop signal (p.Arg387Serfs*16) in the DLL3 gene. It is expected to result in an absent or disrupted protein product. Loss-of-function variants in DLL3 are known to be pathogenic (PMID: 12746394). This variant is not present in population databases (gnomAD no frequency). This variant has not been reported in the literature in individuals affected with DLL3-related conditions. For these reasons, this variant has been classified as Pathogenic.

Literature cited by the submitters: PubMed 12746394.